The following is an entry in ClinVar:

NM_033641.4(COL4A6):c.738G>C (p.Glu246Asp)

Gene: COL4A6 (collagen type IV alpha 6 chain; minus strand). Cytogenetic location: Xq22.3.
Variant type: single nucleotide variant.
Coding change: c.738G>C on transcript NM_033641.4 (MANE Select); coding-DNA position 738, G replaced by C.
Protein change: p.Glu246Asp; replaces glutamic acid 246 with aspartic acid.
Molecular consequence: missense variant.
Genome position (GRCh38, 1-based): chrX:108,204,362, C>G on the plus strand (G>C on the coding strand, the complement: COL4A6 is on the minus strand). VCF-style: chrX-108204362-C-G. GRCh37 (hg19) VCF-style: chrX-107447592-C-G.
Other names: c.741G>C (NM_001847.3); c.738G>C, p.Glu246Asp (NM_001287758.2, NM_001287759.2, NM_001287760.2); c.741G>C, p.Glu247Asp (NM_001847.4); short protein forms E246D, E247D.
Identifiers: ClinVar variation 1317812 (VCV001317812.6), dbSNP rs151224348, ClinGen allele CA10488019.

ClinVar aggregate classification (germline): Conflicting classifications of pathogenicity. Review status: criteria provided, conflicting classifications (1 of 4 stars). 3 submissions from 3 submitters: Uncertain significance (1); Likely benign (2). Last evaluated 2026-05-18.

Conditions:
COL4A6-related disorder. Also called: COL4A6-related condition.

Allele frequency attached by ClinVar (database versions not stated): gnomAD 0.00010 and 0.00011; TOPMed 0.00013; gnomAD exomes 0.00016; ExAC 0.00017; ESP Exome Variant Server 0.00028.
gnomAD v4.1: 175 of 1,203,326 alleles (0.015%); highest among the groups gnomAD compares: Non-Finnish European, 0.018%; 2 homozygotes.

Submissions (3):

PreventionGenetics, part of Exact Sciences
Classification: Likely benign for COL4A6-related condition. Last evaluated: 2026-05-18. Review status: criteria provided, single submitter. Criteria: ACMG Guidelines, 2015. Collection method: clinical testing. Allele origin: germline.
Comment: This variant is classified as likely benign based on ACMG/AMP sequence variant interpretation guidelines (Richards et al. 2015 PMID: 25741868, with internal and published modifications).

Labcorp Genetics (formerly Invitae), Labcorp
Classification: Uncertain significance. Last evaluated: 2024-10-31. Review status: criteria provided, single submitter. Criteria: Invitae Variant Classification Sherloc (09022015). Collection method: clinical testing. Allele origin: germline.
Comment: This sequence change replaces glutamic acid, which is acidic and polar, with aspartic acid, which is acidic and polar, at codon 247 of the COL4A6 protein (p.Glu247Asp). This variant is present in population databases (rs151224348, gnomAD 0.04%), and has an allele count higher than expected for a pathogenic variant. This missense change has been observed in individual(s) with COL4A6-related conditions (PMID: 32483926). ClinVar contains an entry for this variant (Variation ID: 1317812). Invitae Evidence Modeling of protein sequence and biophysical properties (such as structural, functional, and spatial information, amino acid conservation, physicochemical variation, residue mobility, and thermodynamic stability) indicates that this missense variant is not expected to disrupt COL4A6 protein function with a negative predictive value of 80%. In summary, the available evidence is currently insufficient to determine the role of this variant in disease. Therefore, it has been classified as a Variant of Uncertain Significance.

GeneDx
Classification: Likely benign. Last evaluated: 2020-12-30. Review status: criteria provided, single submitter. Criteria: GeneDx Variant Classification Process June 2021. Collection method: clinical testing. Allele origin: germline. Affected: yes.

Literature cited by the submitters: PubMed 32483926 (cited by Labcorp Genetics (formerly Invitae), Labcorp).